The following is an entry in ClinVar:

NM_003560.4(PLA2G6):c.2249G>A (p.Cys750Tyr)

Gene: PLA2G6 (phospholipase A2 group VI; minus strand). Cytogenetic location: 22q13.1.
Variant type: single nucleotide variant.
Coding change: c.2249G>A on transcript NM_003560.4 (MANE Select); coding-DNA position 2249, G replaced by A.
Protein change: p.Cys750Tyr; replaces cysteine 750 with tyrosine.
Molecular consequence: missense variant.
Genome position (GRCh38, 1-based): chr22:38,112,531, C>T on the plus strand (G>A on the coding strand, the complement: PLA2G6 is on the minus strand). VCF-style: chr22-38112531-C-T. GRCh37 (hg19) VCF-style: chr22-38508538-C-T.
Other names: NM_001004426.3:c.2087G>A; c.2087G>A, p.Cys696Tyr (NM_001004426.3, NM_001199562.3, NM_001349865.2 and 1 more transcripts); c.2249G>A, p.Cys750Tyr (NM_001349864.2); c.1715G>A, p.Cys572Tyr (NM_001349867.2); c.1571G>A, p.Cys524Tyr (NM_001349868.2); c.1553G>A, p.Cys518Tyr (NM_001349869.2); short protein forms C518Y, C524Y, C572Y, C696Y, C750Y.
Identifiers: ClinVar variation 1339155 (VCV001339155.5), dbSNP rs751225193, ClinGen allele CA10230567.

ClinVar aggregate classification (germline): Conflicting classifications of pathogenicity. Review status: criteria provided, conflicting classifications (1 of 4 stars). 3 submissions from 3 submitters: Pathogenic (1); Likely pathogenic (1); Uncertain significance (1). Last evaluated 2024-06-12.

Conditions:
PLA2G6-associated neurodegeneration (PLAN). Also called: phospholipase A2-associated neurodegeneration. Identifiers: Orphanet 329303, MedGen CN204472, MONDO:0017998.
Infantile neuroaxonal dystrophy (NBIA2A). Also called: NEURODEGENERATION WITH BRAIN IRON ACCUMULATION 2A; Infantile neuroaxonal dystrophy 1; SEITELBERGER DISEASE. Identifiers: Orphanet 35069, MedGen C0270724, MONDO:0024457, OMIM 256600.
PLA2G6-related disorder. Also called: PLA2G6-related condition.

Allele frequency attached by ClinVar (database versions not stated): gnomAD exomes 0.00001 and below 0.00001; ExAC 0.00006.
gnomAD v4.1: 1 of 1,555,404 alleles (0.000064%); highest among the groups gnomAD compares: South Asian, 0.0012%; no homozygotes.

Submissions (3):

Blueprint Genetics
Classification: Pathogenic for PLA2G6-related disorders. Last evaluated: 2024-06-12. Review status: criteria provided, single submitter. Criteria: ACMG Guidelines, 2015. Collection method: clinical testing. Allele origin: germline. Affected: yes. Observed: 2 variant alleles.

Broad Center for Mendelian Genomics, Broad Institute of MIT and Harvard
Classification: Uncertain significance for PLA2G6-associated neurodegeneration. Last evaluated: 2023-01-24. Review status: criteria provided, single submitter. Criteria: ACMG Guidelines, 2015. Collection method: curation. Allele origin: germline. Inheritance: Autosomal recessive inheritance.
Comment: The p.Cys750Tyr variant in PLA2G6 has been reported in 1 compound heterozygous individual with PLA2G6-associated neurodegeneration (PMID: 31493991), segregated with disease in 1 affected relative from 1 family (PMID: 31493991), and has been identified in 0.004% (1/23456) of South Asian chromosomes by the Genome Aggregation Database (gnomAD; dbSNP ID: rs751225193). Although this variant has been seen in the general population in a heterozygous state, its frequency is low enough to be consistent with a recessive carrier frequency. This variant has also been reported in ClinVar (Variation ID#: 1339155) and has been interpreted as likely pathogenic by Neuberg Supratech Reference Laboratories Pvt Ltd (Neuberg Centre for Genomic Medicine). Computational prediction tools and conservation analyses suggest that this variant may impact the protein, though this information is not predictive enough to determine pathogenicity. In summary, the clinical significance of the p.Cys750Tyr variant is uncertain. ACMG/AMP Criteria applied: PM2_supporting, PP3 (Richards 2015).

Neuberg Centre For Genomic Medicine, NCGM
Classification: Likely pathogenic for Infantile neuroaxonal dystrophy. Review status: criteria provided, single submitter. Criteria: ACMG Guidelines, 2015. Collection method: clinical testing. Allele origin: germline. Affected: yes.
Comment: The missense variant p.C750Y in PLA2G6 (NM_003560.4) has been reported in compound heterozygote state with a truncating variant and was classified as Likely Pathogenic because of the same (Li L et al, 2020). The p.C750Y variant is observed in 1/23,456 (0.0043%) alleles from individuals of South Asian background in gnomAD Exomes and is novel (not in any individuals) in 1000 Genomes. There is a large physicochemical difference between cysteine and tyrosine, which is likely to impact secondary protein structure as these residues differ in polarity, charge, size and/or other properties. The p.C750Y missense variant is predicted to be damaging by both SIFT and PolyPhen2. The nucleotide c.2249 in PLA2G6 is predicted conserved by GERP++ and PhyloP across 100 vertebrates. For these reasons, this variant has been classified as Likely Pathogenic.